The following is an entry in ClinVar:

NM_001903.5(CTNNA1):c.1403C>T (p.Ala468Val)

Gene: CTNNA1 (catenin alpha 1; plus strand). Cytogenetic location: 5q31.2.
Variant type: single nucleotide variant.
Coding change: c.1403C>T on transcript NM_001903.5 (MANE Select); coding-DNA position 1403, C replaced by T.
Protein change: p.Ala468Val; replaces alanine 468 with valine.
Molecular consequence: missense variant. On other transcripts: 5 prime UTR variant (5).
Genome position (GRCh38, 1-based): chr5:138,917,755, C>T. VCF-style: chr5-138917755-C-T. GRCh37 (hg19) VCF-style: chr5-138253444-C-T.
Other names: c.1403C>T, p.Ala468Val (NM_001290307.3, NM_001323982.2, NM_001323983.1 and 2 more transcripts); c.1094C>T, p.Ala365Val (NM_001290309.3); c.1034C>T, p.Ala345Val (NM_001290310.3); c.293C>T, p.Ala98Val (NM_001290312.1, NM_001323987.1, NM_001323988.1 and 17 more transcripts); c.1310C>T, p.Ala437Val (NM_001323986.2); c.-47C>T (NM_001324006.1, NM_001324007.1, NM_001324008.1 and 2 more transcripts); c.200C>T, p.Ala67Val (NM_001324011.1); c.50C>T, p.Ala17Val (NM_001324012.1, NM_001324013.1); short protein forms A437V, A98V, A17V, A345V, A365V, A468V, A67V.
Identifiers: ClinVar variation 1771856 (VCV001771856.8), dbSNP rs2533587545, ClinGen allele CA361137076.
Genomic context (GRCh38, chr5:138,917,755, plus strand): 5'-CATGACTCTGAAAAAGAGTAAACAGTGAAGTTTAATATCTTTTGCAGGTTATTAATGCTG[C>T]ACTGGCTTTAGCAGCAAAACCACAGAGTAAACTGGCCCAAGAGAACATGGATCTTTTTAA-3'
Protein context (NP_001894.2, residues 458-478): EALCPQVINA[Ala468Val]LALAAKPQSK

ClinVar aggregate classification (germline): Uncertain significance. Review status: criteria provided, multiple submitters, no conflicts (2 of 4 stars). 2 submissions from 2 submitters: Uncertain significance (2). Last evaluated 2024-10-08.

Conditions:
Hereditary cancer-predisposing syndrome. Also called: Hereditary Cancer Syndrome; Hereditary neoplastic syndrome; Neoplastic Syndromes, Hereditary; Tumor predisposition. Identifiers: Orphanet 140162, MedGen C0027672, MeSH D009386, MONDO:0015356.

Allele frequency attached by ClinVar (database versions not stated): gnomAD exomes below 0.00001.
gnomAD v4.1: 1 of 1,614,094 alleles (0.000062%); highest among the groups gnomAD compares: Middle Eastern, 0.017%; no homozygotes.

Submissions (2):

Ambry Genetics
Classification: Uncertain significance for Hereditary cancer-predisposing syndrome. Last evaluated: 2024-10-08. Review status: criteria provided, single submitter. Criteria: Ambry Variant Classification Scheme 2023. Collection method: clinical testing. Allele origin: germline.
Comment: The p.A468V variant (also known as c.1403C>T), located in coding exon 10 of the CTNNA1 gene, results from a C to T substitution at nucleotide position 1403. The alanine at codon 468 is replaced by valine, an amino acid with similar properties. This amino acid position is highly conserved in available vertebrate species. In addition, this alteration is predicted to be deleterious by in silico analysis. The evidence for this gene-disease relationship is limited; therefore, the clinical significance of this alteration is unclear.

Labcorp Genetics (formerly Invitae), Labcorp
Classification: Uncertain significance. Last evaluated: 2024-04-10. Review status: criteria provided, single submitter. Criteria: Invitae Variant Classification Sherloc (09022015). Collection method: clinical testing. Allele origin: germline.
Comment: This sequence change replaces alanine, which is neutral and non-polar, with valine, which is neutral and non-polar, at codon 468 of the CTNNA1 protein (p.Ala468Val). This variant is not present in population databases (gnomAD no frequency). This variant has not been reported in the literature in individuals affected with CTNNA1-related conditions. ClinVar contains an entry for this variant (Variation ID: 1771856). Advanced modeling of protein sequence and biophysical properties (such as structural, functional, and spatial information, amino acid conservation, physicochemical variation, residue mobility, and thermodynamic stability) performed at Invitae indicates that this missense variant is expected to disrupt CTNNA1 protein function with a positive predictive value of 80%. In summary, the available evidence is currently insufficient to determine the role of this variant in disease. Therefore, it has been classified as a Variant of Uncertain Significance.